The following is an entry in ClinVar:

ClinVar aggregate classification (germline): Uncertain significance (1 of 4 stars; one submission).

Submission:

Labcorp Genetics (formerly Invitae), Labcorp
Classification: Uncertain significance. Last evaluated: 2023-10-24. Review status: criteria provided, single submitter. Criteria: Invitae Variant Classification Sherloc (09022015). Collection method: clinical testing. Allele origin: unknown.
Comment: This variant results in a copy number gain of the genomic region encompassing exon(s) 1-17 of the MYH9 gene. This region includes the initiator codon of the gene. This copy number gain extends beyond the assayed region for this gene and therefore may encompass additional genes. As the precise location of this event is unknown, it may be in tandem or it may be located elsewhere in the genome. This variant has not been reported in the literature in individuals affected with MYH9-related conditions. In summary, the available evidence is currently insufficient to determine the role of this variant in disease. Therefore, it has been classified as a Variant of Uncertain Significance.

NC_000022.10:g.(?_36701956)_(36876884_?)dup

Genes: MYH9 (myosin heavy chain 9; minus strand), TXN2 (thioredoxin 2; minus strand). Cytogenetic location: 22q12.3.
Variant type: Duplication.
Identifiers: ClinVar variation 3248084 (VCV003248084.1).